The following is an entry in ClinVar:

NM_177438.3(DICER1):c.305C>T (p.Ser102Phe)

Gene: DICER1 (dicer 1, ribonuclease III; minus strand). Cytogenetic location: 14q32.13.
Variant type: single nucleotide variant.
Coding change: c.305C>T on transcript NM_177438.3 (MANE Select); coding-DNA position 305, C replaced by T.
Protein change: p.Ser102Phe; replaces serine 102 with phenylalanine.
Molecular consequence: missense variant. On other transcripts: synonymous variant (7), 5 prime UTR variant (2), non-coding transcript variant (6).
Genome position (GRCh38, 1-based): chr14:95,132,517, G>A on the plus strand (C>T on the coding strand, the complement: DICER1 is on the minus strand). VCF-style: chr14-95132517-G-A. GRCh37 (hg19) VCF-style: chr14-95598854-G-A.
Other names: c.31C>T, p.Leu11= (NM_001395687.1, NM_001395688.1, NM_001395689.1 and 4 more transcripts); c.-154C>T (NM_001395691.1); c.305C>T, p.Ser102Phe (NM_001395692.1, NM_001395693.1, NM_001395694.1 and 15 more transcripts); c.-1264C>T (NM_001395697.1); short protein forms S102F.
Identifiers: ClinVar variation 2692783 (VCV002692783.3), dbSNP rs2543366165, ClinGen allele CA390889597.
Genomic context (GRCh38, chr14:95,132,517, plus strand): 5'-AAACATAAAATCCCATCCAATTTCCCCTGCACAACTTGATAAAATAATTTTTTATTACCA[G>A]AGTTGACCAAGAACACCGTCCTTTTTCCATTTCTGCTGAAGTCTCCCCTGATCTGATAGG-3'
Protein context (NP_803187.1, residues 92-112): NGKRTVFLVN[Ser102Phe]ANQVAQQVSA

ClinVar aggregate classification (germline): Uncertain significance (1 of 4 stars; one submission).

Conditions:
DICER1-related tumor predisposition. Also called: DICER1-related pleuropulmonary blastoma cancer predisposition syndrome; DICER1 syndrome. Identifiers: Orphanet 284343, MedGen C3839822, MONDO:0100216.

Submission:

Labcorp Genetics (formerly Invitae), Labcorp
Classification: Uncertain significance for DICER1-related tumor predisposition. Last evaluated: 2023-11-02. Review status: criteria provided, single submitter. Criteria: Invitae Variant Classification Sherloc (09022015). Collection method: clinical testing. Allele origin: germline.
Comment: This sequence change replaces serine, which is neutral and polar, with phenylalanine, which is neutral and non-polar, at codon 102 of the DICER1 protein (p.Ser102Phe). This variant is not present in population databases (gnomAD no frequency). This variant has not been reported in the literature in individuals affected with DICER1-related conditions. An algorithm developed to predict the effect of missense changes on protein structure and function (PolyPhen-2) suggests that this variant is likely to be disruptive. In summary, the available evidence is currently insufficient to determine the role of this variant in disease. Therefore, it has been classified as a Variant of Uncertain Significance.